The following is an entry in ClinVar:

NM_003072.5(SMARCA4):c.3008T>G (p.Leu1003Arg)

Gene: SMARCA4 (SWI/SNF related BAF chromatin remodeling complex subunit ATPase 4; plus strand). Cytogenetic location: 19p13.2.
Variant type: single nucleotide variant.
Coding change: c.3008T>G on transcript NM_003072.5 (MANE Select); coding-DNA position 3008, T replaced by G.
Protein change: p.Leu1003Arg; replaces leucine 1003 with arginine.
Molecular consequence: missense variant. On other transcripts: non-coding transcript variant (1).
Genome position (GRCh38, 1-based): chr19:11,024,365, T>G. VCF-style: chr19-11024365-T-G. GRCh37 (hg19) VCF-style: chr19-11135041-T-G.
Other names: c.3008T>G, p.Leu1003Arg (NM_001128844.3, NM_001128845.2, NM_001128846.2 and 4 more transcripts); short protein forms L1003R.
Identifiers: ClinVar variation 836969 (VCV000836969.10), dbSNP rs2090099530, ClinGen allele CA404058903.

ClinVar aggregate classification (germline): Uncertain significance (1 of 4 stars; one submission).

Conditions:
Rhabdoid tumor predisposition syndrome 2 (RTPS2). Identifiers: Orphanet 231108, Orphanet 69077, MedGen C2750074, MONDO:0013224, OMIM 613325.

Submission:

Labcorp Genetics (formerly Invitae), Labcorp
Classification: Uncertain significance for Rhabdoid tumor predisposition syndrome 2. Last evaluated: 2019-12-27. Review status: criteria provided, single submitter. Criteria: Invitae Variant Classification Sherloc (09022015). Collection method: clinical testing. Allele origin: germline.
Comment: In summary, the available evidence is currently insufficient to determine the role of this variant in disease. Therefore, it has been classified as a Variant of Uncertain Significance. Algorithms developed to predict the effect of missense changes on protein structure and function (SIFT, PolyPhen-2, Align-GVGD) all suggest that this variant is likely to be disruptive, but these predictions have not been confirmed by published functional studies and their clinical significance is uncertain. This variant has not been reported in the literature in individuals with SMARCA4-related conditions. This variant is not present in population databases (ExAC no frequency). This sequence change replaces leucine with arginine at codon 1003 of the SMARCA4 protein (p.Leu1003Arg). The leucine residue is highly conserved and there is a moderate physicochemical difference between leucine and arginine.